The following is an entry in ClinVar:

NM_001330078.2(NRXN1):c.4012T>G (p.Ser1338Ala)

Gene: NRXN1 (neurexin 1; minus strand). Cytogenetic location: 2p16.3.
Variant type: single nucleotide variant.
Coding change: c.4012T>G on transcript NM_001330078.2 (MANE Select); coding-DNA position 4012, T replaced by G.
Protein change: p.Ser1338Ala; replaces serine 1338 with alanine.
Molecular consequence: missense variant.
Genome position (GRCh38, 1-based): chr2:50,053,387, A>C on the plus strand (T>G on the coding strand, the complement: NRXN1 is on the minus strand). VCF-style: chr2-50053387-A-C. GRCh37 (hg19) VCF-style: chr2-50280525-A-C.
Other names: c.4132T>G, p.Ser1378Ala (NM_001135659.3); c.3988T>G, p.Ser1330Ala (NM_001330077.2, NM_001330082.2); c.3856T>G, p.Ser1286Ala (NM_001330083.2); c.3946T>G, p.Ser1316Ala (NM_001330084.2); c.3985T>G, p.Ser1329Ala (NM_001330085.2); c.4012T>G, p.Ser1338Ala (NM_001330086.2); c.3811T>G, p.Ser1271Ala (NM_001330087.2, NM_001330096.2); c.3841T>G, p.Ser1281Ala (NM_001330088.2); and 6 more; short protein forms S1378A, S1271A, S1281A, S1286A, S1334A, S1330A, S1308A, S1329A.
Identifiers: ClinVar variation 423934 (VCV000423934.5), dbSNP rs1064796707, ClinGen allele CA16617734.

ClinVar aggregate classification (germline): Uncertain significance. Review status: criteria provided, multiple submitters, no conflicts (2 of 4 stars). 2 submissions from 2 submitters: Uncertain significance (2). Last evaluated 2023-03-01.

Conditions:
Pitt-Hopkins-like syndrome 2 (PTHSL2). Identifiers: Orphanet 221150, Orphanet 600663, MedGen C3280479, MONDO:0013690, OMIM 614325.

Submissions (2):

Labcorp Genetics (formerly Invitae), Labcorp
Classification: Uncertain significance for Pitt-Hopkins-like syndrome 2. Last evaluated: 2023-03-01. Review status: criteria provided, single submitter. Criteria: Invitae Variant Classification Sherloc (09022015). Collection method: clinical testing. Allele origin: germline.
Comment: Advanced modeling of protein sequence and biophysical properties (such as structural, functional, and spatial information, amino acid conservation, physicochemical variation, residue mobility, and thermodynamic stability) performed at Invitae indicates that this missense variant is not expected to disrupt NRXN1 protein function. ClinVar contains an entry for this variant (Variation ID: 423934). This variant has not been reported in the literature in individuals affected with NRXN1-related conditions. This variant is not present in population databases (gnomAD no frequency). This sequence change replaces serine, which is neutral and polar, with alanine, which is neutral and non-polar, at codon 1378 of the NRXN1 protein (p.Ser1378Ala). In summary, the available evidence is currently insufficient to determine the role of this variant in disease. Therefore, it has been classified as a Variant of Uncertain Significance.

GeneDx
Classification: Uncertain significance. Last evaluated: 2017-02-28. Review status: criteria provided, single submitter. Criteria: GeneDx Variant Classification (06012015). Collection method: clinical testing. Allele origin: germline. Affected: yes.
Comment: A variant of uncertain significance has been identified in the NRXN1 gene. The S1378A variant has not been published as a pathogenic variant, nor has it been reported as a benign variant to our knowledge. The S1378A variant is not observed in large population cohorts (Lek et al., 2016; 1000 Genomes Consortium et al., 2015; Exome Variant Server). The S1378A variant is a non-conservative amino acid substitution, which is likely to impact secondary protein structure as these residues differ in polarity, charge, size and/or other properties. This substitution occurs at a position that is conserved across species. However, in silico analysis is inconsistent in its predictions as to whether or not the variant is damaging to the protein structure/function. Therefore, based on the currently available information, it is unclear whether this variant is a pathogenic variant or a rare benign variant.